The following is an entry in ClinVar:

NM_004336.5(BUB1):c.2597G>A (p.Gly866Glu)

Gene: BUB1 (BUB1 mitotic checkpoint serine/threonine kinase; minus strand). Cytogenetic location: 2q13.
Variant type: single nucleotide variant.
Coding change: c.2597G>A on transcript NM_004336.5 (MANE Select); coding-DNA position 2597, G replaced by A.
Protein change: p.Gly866Glu; replaces glycine 866 with glutamic acid.
Molecular consequence: missense variant.
Genome position (GRCh38, 1-based): chr2:110,641,670, C>T on the plus strand (G>A on the coding strand, the complement: BUB1 is on the minus strand). VCF-style: chr2-110641670-C-T. GRCh37 (hg19) VCF-style: chr2-111399247-C-T.
Other names: c.2537G>A, p.Gly846Glu (NM_001278616.2); c.2597G>A, p.Gly866Glu (NM_001278617.2); short protein forms G866E, G846E.
Identifiers: ClinVar variation 2451266 (VCV002451266.2), dbSNP rs2467971983, ClinGen allele CA348090156.

ClinVar aggregate classification (germline): Uncertain significance (1 of 4 stars; one submission).

Allele frequency attached by ClinVar (database versions not stated): gnomAD exomes below 0.00001.
gnomAD v4.1: 1 of 1,613,138 alleles (0.000062%); highest among the groups gnomAD compares: Non-Finnish European, 0.000085%; no homozygotes.

Submission:

Ambry Genetics
Classification: Uncertain significance. Last evaluated: 2023-02-04. Review status: criteria provided, single submitter. Criteria: Ambry Variant Classification Scheme 2023. Collection method: clinical testing. Allele origin: germline.
Comment: The p.G866E variant (also known as c.2597G>A), located in coding exon 21 of the BUB1 gene, results from a G to A substitution at nucleotide position 2597. The glycine at codon 866 is replaced by glutamic acid, an amino acid with similar properties. This amino acid position is conserved. In addition, this alteration is predicted to be tolerated by in silico analysis. Since supporting evidence is limited at this time, the clinical significance of this alteration remains unclear.